The following is an entry in ClinVar:

ClinVar aggregate classification (germline): Uncertain significance (1 of 4 stars; one submission).

Allele frequency attached by ClinVar (database versions not stated): TOPMed below 0.00001; gnomAD 0.00001; gnomAD exomes 0.00001; ExAC 0.00004; 1000 Genomes Project 30x 0.00016; 1000 Genomes Project 0.00020.
gnomAD v4.1: 12 of 1,604,350 alleles (0.00075%); highest among the groups gnomAD compares: South Asian, 0.011%; no homozygotes.

Submission:

Labcorp Genetics (formerly Invitae), Labcorp
Classification: Uncertain significance. Last evaluated: 2022-02-25. Review status: criteria provided, single submitter. Criteria: Invitae Variant Classification Sherloc (09022015). Collection method: clinical testing. Allele origin: germline.
Comment: This sequence change replaces glutamic acid, which is acidic and polar, with glycine, which is neutral and non-polar, at codon 37 of the KIF2A protein (p.Glu37Gly). This variant is present in population databases (rs546664729, gnomAD 0.02%). This variant has not been reported in the literature in individuals affected with KIF2A-related conditions. Algorithms developed to predict the effect of missense changes on protein structure and function are either unavailable or do not agree on the potential impact of this missense change (SIFT: "Tolerated"; PolyPhen-2: "Possibly Damaging"; Align-GVGD: "Class C0"). In summary, the available evidence is currently insufficient to determine the role of this variant in disease. Therefore, it has been classified as a Variant of Uncertain Significance.

NM_001098511.3(KIF2A):c.110A>G (p.Glu37Gly)

Gene: KIF2A (kinesin family member 2A; plus strand). Cytogenetic location: 5q12.1.
Variant type: single nucleotide variant.
Coding change: c.110A>G on transcript NM_001098511.3 (MANE Select); coding-DNA position 110, A replaced by G.
Protein change: p.Glu37Gly; replaces glutamic acid 37 with glycine.
Molecular consequence: missense variant.
Genome position (GRCh38, 1-based): chr5:62,347,175, A>G. VCF-style: chr5-62347175-A-G. GRCh37 (hg19) VCF-style: chr5-61643002-A-G.
Other names: c.29A>G, p.Glu10Gly (NM_001243952.2); c.110A>G, p.Glu37Gly (NM_001243953.2, NM_004520.5); short protein forms E37G, E10G.
Identifiers: ClinVar variation 2103255 (VCV002103255.4), dbSNP rs546664729, ClinGen allele CA3278691.
Genomic context (GRCh38, chr5:62,347,175, plus strand): 5'-TTTATTCCCACATAGGCCGAATACATCAAGCAATGGTAACATCTTTAAATGAAGATAATG[A>G]AAGTGTAACTGTTGAATGGATAGAAAATGGAGATACAAAAGGCAAAGAGGTAAGATCACT-3'
Protein context (NP_001091981.1, residues 27-47): AMVTSLNEDN[Glu37Gly]SVTVEWIENG